The following is an entry in ClinVar:

ClinVar aggregate classification (germline): Uncertain significance (1 of 4 stars; one submission).

Conditions:
SEMA3D-related disorder. Also called: SEMA3D-related condition.

gnomAD v4.1: 1 of 1,557,124 alleles (0.000064%); no homozygotes.

Submission:

PreventionGenetics, part of Exact Sciences
Classification: Uncertain significance for SEMA3D-related condition. Last evaluated: 2025-02-07. Review status: criteria provided, single submitter. Criteria: ACMG Guidelines, 2015. Collection method: clinical testing. Allele origin: germline.
Comment: The SEMA3D c.825T>A variant is predicted to result in the amino acid substitution p.Asp275Glu. To our knowledge, this variant has not been reported in the literature or in a large population database (gnomAD), indicating this variant is rare. At this time, the clinical significance of this variant is uncertain due to the absence of conclusive functional and genetic evidence.

NM_001384900.1(SEMA3D):c.825T>A (p.Asp275Glu)

Gene: SEMA3D (semaphorin 3D; minus strand). Cytogenetic location: 7q21.11.
Variant type: single nucleotide variant.
Coding change: c.825T>A on transcript NM_001384900.1 (MANE Select); coding-DNA position 825, T replaced by A.
Protein change: p.Asp275Glu; replaces aspartic acid 275 with glutamic acid.
Molecular consequence: missense variant.
Genome position (GRCh38, 1-based): chr7:85,055,753, A>T on the plus strand (T>A on the coding strand, the complement: SEMA3D is on the minus strand). VCF-style: chr7-85055753-A-T. GRCh37 (hg19) VCF-style: chr7-84685069-A-T.
Other names: c.825T>A, p.Asp275Glu (NM_001384901.1, NM_001384902.1, NM_001384903.1 and 1 more transcripts); short protein forms D275E.
Identifiers: ClinVar variation 5000645 (VCV005000645.1).